The following is an entry in ClinVar:

ClinVar aggregate classification (germline): Uncertain significance (1 of 4 stars; one submission).

gnomAD v4.1: 34 of 1,613,932 alleles (0.0021%); highest among the groups gnomAD compares: Non-Finnish European, 0.0026%; no homozygotes.

Submission:

Ambry Genetics
Classification: Uncertain significance. Last evaluated: 2023-11-06. Review status: criteria provided, single submitter. Criteria: Ambry Variant Classification Scheme 2023. Collection method: clinical testing. Allele origin: germline.
Comment: The p.P273L variant (also known as c.818C>T), located in coding exon 8 of the ILK gene, results from a C to T substitution at nucleotide position 818. The proline at codon 273 is replaced by leucine, an amino acid with similar properties. This amino acid position is conserved. In addition, this alteration is predicted to be deleterious by in silico analysis. Since supporting evidence is limited at this time, the clinical significance of this alteration remains unclear.

NM_004517.4(ILK):c.818C>T (p.Pro273Leu)

Genes: ILK (integrin linked kinase; plus strand), TAF10 (TATA-box binding protein associated factor 10; minus strand). Cytogenetic location: 11p15.4.
Variant type: single nucleotide variant.
Coding change: c.818C>T on transcript NM_004517.4 (MANE Select); coding-DNA position 818, C replaced by T.
Protein change: p.Pro273Leu; replaces proline 273 with leucine.
Molecular consequence: missense variant. On other transcripts: 3 prime UTR variant (1).
Genome position (GRCh38, 1-based): chr11:6,609,601, C>T. VCF-style: chr11-6609601-C-T. GRCh37 (hg19) VCF-style: chr11-6630832-C-T.
Other names: c.818C>T, p.Pro273Leu (NM_001014794.3, NM_001014795.3); c.635C>T, p.Pro212Leu (NM_001278441.2); c.416C>T, p.Pro139Leu (NM_001278442.2); c.*1321G>A (NM_006284.4); short protein forms P139L, P212L, P273L.
Identifiers: ClinVar variation 3224310 (VCV003224310.1), dbSNP rs774113906, ClinGen allele CA5858192.